The following is an entry in ClinVar:

ClinVar aggregate classification (germline): Uncertain significance (1 of 4 stars; one submission).

Conditions:
MAP1A-related disorder. Also called: MAP1A-related condition.

Allele frequency attached by ClinVar (database versions not stated): gnomAD exomes below 0.00001.
gnomAD v4.1: 4 of 1,612,438 alleles (0.00025%); highest among the groups gnomAD compares: South Asian, 0.0033%; no homozygotes.

Submission:

PreventionGenetics, part of Exact Sciences
Classification: Uncertain significance for MAP1A-related condition. Last evaluated: 2025-03-26. Review status: criteria provided, single submitter. Criteria: ACMG Guidelines, 2015. Collection method: clinical testing. Allele origin: germline.
Comment: The MAP1A c.6170T>G variant is predicted to result in the amino acid substitution p.Leu2057Arg. To our knowledge, this variant has not been reported in the literature or in a large population database, indicating this variant is rare. At this time, the clinical significance of this variant is uncertain due to the absence of conclusive functional and genetic evidence.

NM_002373.6(MAP1A):c.6170T>G (p.Leu2057Arg)

Gene: MAP1A (microtubule associated protein 1A; plus strand). Cytogenetic location: 15q15.3.
Variant type: single nucleotide variant.
Coding change: c.6170T>G on transcript NM_002373.6 (MANE Select); coding-DNA position 6170, T replaced by G.
Protein change: p.Leu2057Arg; replaces leucine 2057 with arginine.
Molecular consequence: missense variant.
Genome position (GRCh38, 1-based): chr15:43,527,643, T>G. VCF-style: chr15-43527643-T-G. GRCh37 (hg19) VCF-style: chr15-43819841-T-G.
Other names: c.6884T>G, p.Leu2295Arg (NM_001411089.1); short protein forms L2057R, L2295R.
Identifiers: ClinVar variation 3031234 (VCV003031234.3), dbSNP rs2504712068, ClinGen allele CA392174185.
Genomic context (GRCh38, chr15:43,527,643, plus strand): 5'-CCCTGGCAGGACCCACTGTACCCCCAAGGCCAGAGCCAGGGCCAAGTATGGAGCCCAGCC[T>G]CACCCCACCTGCAGTTCCCCCCCGTGCTCCTATCCTGAGCAAAGGCCCAAGCCCCCCTCT-3'
Protein context (NP_002364.5, residues 2047-2067): PEPGPSMEPS[Leu2057Arg]TPPAVPPRAP